The following is an entry in ClinVar:

NC_000018.9:g.(?_77513632)_(77513790_?)dup

Gene: CTDP1 (CTD phosphatase subunit 1; plus strand). Cytogenetic location: 18q23.
Variant type: Duplication.
Identifiers: ClinVar variation 2425206 (VCV002425206.4).

ClinVar aggregate classification (germline): Uncertain significance (1 of 4 stars; one submission).

Submission:

Labcorp Genetics (formerly Invitae), Labcorp
Classification: Uncertain significance. Last evaluated: 2022-08-16. Review status: criteria provided, single submitter. Criteria: Invitae Variant Classification Sherloc (09022015). Collection method: clinical testing. Allele origin: germline.
Comment: In summary, the available evidence is currently insufficient to determine the role of this variant in disease. Therefore, it has been classified as a Variant of Uncertain Significance. Experimental studies and prediction algorithms are not available or were not evaluated, and the functional significance of this variant is currently unknown. This variant has not been reported in the literature in individuals affected with CTDP1-related conditions. This variant results in a copy number gain of the genomic region encompassing exon(s) 13 of the CTDP1 gene. This region includes the termination codon of the gene. This copy number gain extends beyond the assayed region for this gene and therefore may encompass additional genes. As the precise location of this event is unknown, it may be in tandem or it may be located elsewhere in the genome.